The following is an entry in ClinVar:

NM_003504.5(CDC45):c.331A>G (p.Asn111Asp)

Gene: CDC45 (cell division cycle 45; plus strand). Cytogenetic location: 22q11.21.
Variant type: single nucleotide variant.
Coding change: c.331A>G on transcript NM_003504.5 (MANE Select); coding-DNA position 331, A replaced by G.
Protein change: p.Asn111Asp; replaces asparagine 111 with aspartic acid.
Molecular consequence: missense variant. On other transcripts: non-coding transcript variant (1), intron variant (1).
Genome position (GRCh38, 1-based): chr22:19,482,816, A>G. VCF-style: chr22-19482816-A-G. GRCh37 (hg19) VCF-style: chr22-19470339-A-G.
Other names: c.331A>G, p.Asn111Asp (NM_001178010.2); c.295A>G, p.Asn99Asp (NM_001369291.1); c.205-1046A>G (NM_001178011.2); short protein forms N111D, N99D.
Identifiers: ClinVar variation 1475419 (VCV001475419.8), dbSNP rs141251175, ClinGen allele CA322095287.

ClinVar aggregate classification (germline): Uncertain significance (1 of 4 stars; one submission).

Allele frequency attached by ClinVar (database versions not stated): gnomAD exomes below 0.00001; gnomAD 0.00001; TOPMed 0.00001; ESP Exome Variant Server 0.00008.
gnomAD v4.1: 7 of 1,613,970 alleles (0.00043%); highest among the groups gnomAD compares: Non-Finnish European, 0.00051%; no homozygotes.

Submission:

Labcorp Genetics (formerly Invitae), Labcorp
Classification: Uncertain significance. Last evaluated: 2024-04-23. Review status: criteria provided, single submitter. Criteria: Invitae Variant Classification Sherloc (09022015). Collection method: clinical testing. Allele origin: germline.
Comment: This sequence change replaces asparagine, which is neutral and polar, with aspartic acid, which is acidic and polar, at codon 111 of the CDC45 protein (p.Asn111Asp). This variant is not present in population databases (gnomAD no frequency). This variant has not been reported in the literature in individuals affected with CDC45-related conditions. ClinVar contains an entry for this variant (Variation ID: 1475419). An algorithm developed to predict the effect of missense changes on protein structure and function (PolyPhen-2) suggests that this variant is likely to be tolerated. In summary, the available evidence is currently insufficient to determine the role of this variant in disease. Therefore, it has been classified as a Variant of Uncertain Significance.